The following is an entry in ClinVar:

ClinVar aggregate classification (germline): Pathogenic (1 of 4 stars; one submission).

Conditions:
CHARGE syndrome (CHARGE). Also called: Hittner Hirsch Kreh syndrome; CHARGE ASSOCIATION--COLOBOMA, HEART ANOMALY, CHOANAL ATRESIA, RETARDATION, GENITAL AND EAR ANOMALIES; Coloboma, heart anomaly, choanal atresia, retardation, genital and ear anomalies; CHARGE association; Hall-Hittner syndrome. Identifiers: Orphanet 138, MedGen C0265354, MONDO:0008965.

Submission:

Labcorp Genetics (formerly Invitae), Labcorp
Classification: Pathogenic for CHARGE syndrome. Last evaluated: 2022-07-29. Review status: criteria provided, single submitter. Criteria: Invitae Variant Classification Sherloc (09022015). Collection method: clinical testing. Allele origin: germline.
Comment: For these reasons, this variant has been classified as Pathogenic. Algorithms developed to predict the effect of sequence changes on RNA splicing suggest that this variant may disrupt the consensus splice site. This variant has not been reported in the literature in individuals affected with CHD7-related conditions. This variant is not present in population databases (gnomAD no frequency). This sequence change creates a premature translational stop signal (p.Trp983*) in the CHD7 gene. It is expected to result in an absent or disrupted protein product. Loss-of-function variants in CHD7 are known to be pathogenic (PMID: 22461308, 25077900).

Literature cited by the submitters: PubMed 22461308; PubMed 25077900.

NM_017780.4(CHD7):c.2949G>A (p.Trp983Ter)

Gene: CHD7 (chromodomain helicase DNA binding protein 7; plus strand). Cytogenetic location: 8q12.2.
Variant type: single nucleotide variant.
Coding change: c.2949G>A on transcript NM_017780.4 (MANE Select); coding-DNA position 2949, G replaced by A.
Protein change: p.Trp983Ter; replaces tryptophan 983 with a stop codon.
Molecular consequence: nonsense. On other transcripts: intron variant (1).
Genome position (GRCh38, 1-based): chr8:60,822,137, G>A. VCF-style: chr8-60822137-G-A. GRCh37 (hg19) VCF-style: chr8-61734696-G-A.
Other names: c.1717-40092G>A (NM_001316690.1); short protein forms W983*.
Identifiers: ClinVar variation 2136673 (VCV002136673.4), dbSNP rs2487807806, ClinGen allele CA371308760.
Genomic context (GRCh38, chr8:60,822,137, plus strand): 5'-AAACAATAACAAACTCAGGGAATACCAGTTGGAGGGAGTAAACTGGCTACTTTTCAATTG[G>A]TACAACATGTATGTAAAACAAGTTTTTCTTCACTTTTAAATATATCTGTAGTTCCTTTCC-3'